The following is an entry in ClinVar:

NM_000257.4(MYH7):c.4003T>G (p.Ser1335Ala)

Gene: MYH7 (myosin heavy chain 7; minus strand). Cytogenetic location: 14q11.2.
Variant type: single nucleotide variant.
Coding change: c.4003T>G on transcript NM_000257.4 (MANE Select); coding-DNA position 4003, T replaced by G.
Protein change: p.Ser1335Ala; replaces serine 1335 with alanine.
Molecular consequence: missense variant.
Genome position (GRCh38, 1-based): chr14:23,418,376, A>C on the plus strand (T>G on the coding strand, the complement: MYH7 is on the minus strand). VCF-style: chr14-23418376-A-C. GRCh37 (hg19) VCF-style: chr14-23887585-A-C.
Other names: short protein forms S1335A.
Identifiers: ClinVar variation 1494043 (VCV001494043.6), dbSNP rs755254294, ClinGen allele CA039982.
Genomic context (GRCh38, chr14:23,418,376, plus strand): 5'-CCTTGGCCTCCGTCTCCTCCTCGTACTGCTCCCGCAGCAGGTCGCAGTCATGCCGGGCCG[A>C]CTGCAGTGCGTGGGCCAGGGCGTTCTTCGCCTGGGGAGGGGTGGGCACCAGGAGGTGGGT-3'
Protein context (NP_000248.2, residues 1325-1345): AKNALAHALQ[Ser1335Ala]ARHDCDLLRE

ClinVar aggregate classification (germline): Uncertain significance (1 of 4 stars; one submission).

Conditions:
Hypertrophic cardiomyopathy. Also called: HYPERTROPHIC MYOCARDIOPATHY. Identifiers: Orphanet 217569, MedGen C0007194, MeSH D002312, MONDO:0005045, HP:0001639.

Allele frequency attached by ClinVar (database versions not stated): gnomAD exomes below 0.00001; ExAC 0.00001.

Submission:

Labcorp Genetics (formerly Invitae), Labcorp
Classification: Uncertain significance for Hypertrophic cardiomyopathy. Last evaluated: 2023-08-02. Review status: criteria provided, single submitter. Criteria: Invitae Variant Classification Sherloc (09022015). Collection method: clinical testing. Allele origin: germline.
Comment: This sequence change replaces serine, which is neutral and polar, with alanine, which is neutral and non-polar, at codon 1335 of the MYH7 protein (p.Ser1335Ala). In summary, the available evidence is currently insufficient to determine the role of this variant in disease. Therefore, it has been classified as a Variant of Uncertain Significance. Advanced modeling of protein sequence and biophysical properties (such as structural, functional, and spatial information, amino acid conservation, physicochemical variation, residue mobility, and thermodynamic stability) has been performed at Invitae for this missense variant, however the output from this modeling did not meet the statistical confidence thresholds required to predict the impact of this variant on MYH7 protein function. ClinVar contains an entry for this variant (Variation ID: 1494043). This variant has not been reported in the literature in individuals affected with MYH7-related conditions. This variant is present in population databases (rs755254294, gnomAD 0.0009%).